The following is an entry in ClinVar:

NM_080669.6(SLC46A1):c.294C>A (p.Leu98=)

Gene: SLC46A1 (solute carrier family 46 member 1; minus strand). Cytogenetic location: 17q11.2.
Variant type: single nucleotide variant.
Coding change: c.294C>A on transcript NM_080669.6 (MANE Select); coding-DNA position 294, C replaced by A.
Protein change: p.Leu98=; no amino-acid change (leucine 98 retained).
Molecular consequence: synonymous variant.
Genome position (GRCh38, 1-based): chr17:28,405,403, G>T on the plus strand (C>A on the coding strand, the complement: SLC46A1 is on the minus strand). VCF-style: chr17-28405403-G-T. GRCh37 (hg19) VCF-style: chr17-26732421-G-T.
Other names: c.294C>A (LRG_183t1); c.294C>A, p.Leu98= (NM_001242366.3).
Identifiers: ClinVar variation 322411 (VCV000322411.30), dbSNP rs371270310, ClinGen allele CA8458355.
Genomic context (GRCh38, chr17:28,405,403, plus strand): 5'-CACTAGCAGCGGGCGGCGGCCCACACTGTCGCTCCAAGCTCCCAGCAGGGTGGACGAGAA[G>T]AGCCCCACCAGGAAGCCGCCCACGTTCATGTAGAGGGTCCAGTGGGAGGTAAGGGTCTCC-3'
Protein context (NP_542400.2, residues 88-108): YMNVGGFLVG[Leu98=]FSSTLLGAWS

ClinVar aggregate classification (germline): Likely benign. Review status: criteria provided, multiple submitters, no conflicts (2 of 4 stars). 7 submissions from 7 submitters: Likely benign (7). Last evaluated 2026-01-27.

Conditions:
Congenital defect of folate absorption. Also called: Hereditary Folate Malabsorption. Identifiers: Orphanet 90045, MedGen C0342705, MONDO:0009238, OMIM 229050.

Allele frequency attached by ClinVar (database versions not stated): gnomAD 0.00117 and 0.00110; TOPMed 0.00124; ESP Exome Variant Server 0.00146; 1000 Genomes Project 30x 0.00172; 1000 Genomes Project 0.00180; gnomAD exomes 0.00181; ExAC 0.00368.
gnomAD v4.1: 2,977 of 1,588,562 alleles (0.19%); highest among the groups gnomAD compares: South Asian, 0.5%; 7 homozygotes.

Submissions (7):

Labcorp Genetics (formerly Invitae), Labcorp
Classification: Likely benign. Last evaluated: 2026-01-27. Review status: criteria provided, single submitter. Criteria: Invitae Variant Classification Sherloc (09022015). Collection method: clinical testing. Allele origin: germline.

Blueprint Genetics
Classification: Likely benign. Last evaluated: 2024-11-27. Review status: criteria provided, single submitter. Criteria: ACMG Guidelines, 2015. Collection method: clinical testing. Allele origin: germline.

CeGaT Center for Human Genetics Tuebingen
Classification: Likely benign. Last evaluated: 2024-10-01. Review status: criteria provided, single submitter. Criteria: CeGaT Center For Human Genetics Tuebingen Variant Classification Criteria Version 2. Collection method: clinical testing. Allele origin: germline. Affected: yes. Observed: 1 variant allele.
Comment: SLC46A1: BP4, BP7

Illumina Laboratory Services, Illumina
Classification: Likely benign for Congenital defect of folate absorption. Last evaluated: 2018-01-13. Review status: criteria provided, single submitter. Criteria: ICSL Variant Classification Criteria 13 December 2019. Collection method: clinical testing. Allele origin: germline.
Comment: This variant was observed in the ICSL laboratory as part of a predisposition screen in an ostensibly healthy population. It had not been previously curated by ICSL or reported in the Human Gene Mutation Database (HGMD: prior to June 1st, 2018), and was therefore a candidate for classification through an automated scoring system. Utilizing variant allele frequency, disease prevalence and penetrance estimates, and inheritance mode, an automated score was calculated to assess if this variant is too frequent to cause the disease. Based on the score and internal cut-off values, a variant classified as likely benign is not then subjected to further curation. The score for this variant resulted in a classification of likely benign for this disease.

Clinical Genetics DNA and cytogenetics Diagnostics Lab, Erasmus MC, Erasmus Medical Center
Classification: Likely benign for Congenital defect of folate absorption. Last evaluated: 2017-09-04. Review status: criteria provided, single submitter. Criteria: ACGS Guidelines, 2013. Collection method: clinical testing. Allele origin: germline. Affected: yes. Study: VKGL Data-share Consensus.

Genome Diagnostics Laboratory, University Medical Center Utrecht
Classification: Likely benign for Congenital defect of folate absorption. Last evaluated: 2017-01-03. Review status: criteria provided, single submitter. Criteria: ACGS Guidelines, 2013. Collection method: clinical testing. Allele origin: germline. Affected: yes. Study: VKGL Data-share Consensus.

Breakthrough Genomics
Classification: Likely benign. Review status: criteria provided, single submitter. Criteria: ACMG Guidelines, 2015. Collection method: not provided. Allele origin: germline. Inheritance: Autosomal recessive inheritance. Affected: yes.